The following is an entry in ClinVar:

ClinVar aggregate classification (germline): Uncertain significance (1 of 4 stars; one submission).

Conditions:
PKHD1-related disorder. Also called: PKHD1-related condition.

gnomAD v4.1: 36 of 1,613,740 alleles (0.0022%); highest among the groups gnomAD compares: Non-Finnish European, 0.003%; no homozygotes.

Submission:

PreventionGenetics, part of Exact Sciences
Classification: Uncertain significance for PKHD1-related condition. Last evaluated: 2025-11-11. Review status: criteria provided, single submitter. Criteria: ACMG Guidelines, 2015. Collection method: clinical testing. Allele origin: germline.
Comment: The PKHD1 c.10507C>G variant is predicted to result in the amino acid substitution p.Leu3503Val. To our knowledge, this variant has not been reported in the literature. This variant is reported in 0.00089% of alleles in individuals of European (Non-Finnish) descent in gnomAD. At this time, the clinical significance of this variant is uncertain due to the absence of conclusive functional and genetic evidence.

NM_138694.4(PKHD1):c.10507C>G (p.Leu3503Val)

Gene: PKHD1 (PKHD1 ciliary IPT domain containing fibrocystin/polyductin; minus strand). Cytogenetic location: 6p12.3.
Variant type: single nucleotide variant.
Coding change: c.10507C>G on transcript NM_138694.4 (MANE Select); coding-DNA position 10507, C replaced by G.
Protein change: p.Leu3503Val; replaces leucine 3503 with valine.
Molecular consequence: missense variant.
Genome position (GRCh38, 1-based): chr6:51,659,619, G>C on the plus strand (C>G on the coding strand, the complement: PKHD1 is on the minus strand). VCF-style: chr6-51659619-G-C. GRCh37 (hg19) VCF-style: chr6-51524417-G-C.
Other names: short protein forms L3503V.
Identifiers: ClinVar variation 4989368 (VCV004989368.1).